The following is an entry in ClinVar:

ClinVar aggregate classification (germline): Uncertain significance (1 of 4 stars; one submission).

Conditions:
Anauxetic dysplasia. Identifiers: Orphanet 93347, MedGen C1846796, MONDO:0011773.

Submission:

Labcorp Genetics (formerly Invitae), Labcorp
Classification: Uncertain significance for Anauxetic dysplasia. Last evaluated: 2024-02-28. Review status: criteria provided, single submitter. Criteria: Invitae Variant Classification Sherloc (09022015). Collection method: clinical testing. Allele origin: germline.
Comment: This variant occurs in the RMRP gene, which encodes an RNA molecule that does not result in a protein product. This variant is not present in population databases (gnomAD no frequency). This variant has not been reported in the literature in individuals affected with RMRP-related conditions. Experimental studies and prediction algorithms are not available or were not evaluated, and the functional significance of this variant is currently unknown. In summary, the available evidence is currently insufficient to determine the role of this variant in disease. Therefore, it has been classified as a Variant of Uncertain Significance.

NC_000009.12:g.35657731C>T

Gene: RMRP (RNA component of mitochondrial RNA processing endoribonuclease; minus strand). Cytogenetic location: 9p13.3.
Variant type: single nucleotide variant.
Genome position: GRCh38 VCF-style: chr9-35657731-C-T. GRCh37 (hg19) VCF-style: chr9-35657728-C-T.
Identifiers: ClinVar variation 3626791 (VCV003626791.1).
Genomic context (GRCh38, chr9:35,657,731, plus strand): 5'-TACTTGGGAGCCTGAGGTGAGGCATCGCGTGAGCCCGGGGAGGTCGAGGCTGCAGTGAGC[C>T]GTGGTCTCGGGAACAAAAAACAGCCGCGCTGAGAATGAGCCCCGTGTGGTTGGTGCGCGG-3'